The following is an entry in ClinVar:

NM_007294.4(BRCA1):c.3742G>A (p.Ala1248Thr)

Genes: BRCA1 (BRCA1 DNA repair associated; minus strand), LOC126862571 (BRD4-independent group 4 enhancer GRCh37_chr17:41243136-41244335; plus strand). Cytogenetic location: 17q21.31.
Variant type: single nucleotide variant.
Coding change: c.3742G>A on transcript NM_007294.4 (MANE Select); coding-DNA position 3742, G replaced by A.
Protein change: p.Ala1248Thr; replaces alanine 1248 with threonine.
Molecular consequence: missense variant. On other transcripts: intron variant (135).
Genome position (GRCh38, 1-based): chr17:43,091,789, C>T on the plus strand (G>A on the coding strand, the complement: BRCA1 is on the minus strand). VCF-style: chr17-43091789-C-T. GRCh37 (hg19) VCF-style: chr17-41243806-C-T.
Other names: c.671-757G>A (NM_001408422.1, NM_001408418.1, NM_001408423.1 and 2 more transcripts); c.707-757G>A (NM_001408416.1, NM_001408413.1); c.578-757G>A (NM_001408484.1, NM_001408478.1, NM_001408514.1 and 9 more transcripts); c.662-757G>A (NM_001408450.1, NM_001408434.1, NM_001408447.1 and 6 more transcripts); c.785-757G>A (NM_001408398.1, NM_001407992.1, NM_001408400.1 and 13 more transcripts); c.665-757G>A (NM_001408440.1, NM_001408428.1, NM_001408442.1 and 12 more transcripts); c.788-757G>A (NM_001407981.1, NM_007298.4, NM_001407978.1 and 17 more transcripts); c.644-757G>A (NM_001408462.1, NM_001408470.1, NM_001408464.1 and 3 more transcripts); and 41 more; short protein forms A1201T, A1248T, A1121T, A1136T, A1200T, A1207T, A1221T, A1245T.
Identifiers: ClinVar variation 1063293 (VCV001063293.12), dbSNP rs2053534351, ClinGen allele CA10594485.

ClinVar aggregate classification (germline): Conflicting classifications of pathogenicity. Review status: criteria provided, conflicting classifications (1 of 4 stars). 2 submissions from 2 submitters: Uncertain significance (1); Likely benign (1). Last evaluated 2023-03-23.

Conditions:
Hereditary cancer-predisposing syndrome. Also called: Hereditary Cancer Syndrome; Hereditary neoplastic syndrome; Neoplastic Syndromes, Hereditary; Tumor predisposition. Identifiers: Orphanet 140162, MedGen C0027672, MeSH D009386, MONDO:0015356.
Hereditary breast ovarian cancer syndrome. Also called: Hereditary breast and ovarian cancer syndrome (HBOC); Breast and ovarian cancer; Hereditary breast and/or ovarian cancer syndrome; BRCA1- and BRCA2-Associated Hereditary Breast and Ovarian Cancer; Hereditary breast and ovarian cancer syndrome; Hereditary breast and ovarian cancer. Identifiers: Orphanet 145, MedGen C0677776, MeSH D061325, MONDO:0003582. Disease mechanism: loss of function.

Submissions (2):

University of Washington Department of Laboratory Medicine, University of Washington
Classification: Likely benign for Hereditary cancer-predisposing syndrome. Last evaluated: 2023-03-23. Review status: criteria provided, single submitter. Criteria: Dines et al. (Genet Med. 2020). Collection method: curation. Allele origin: germline.
Comment: Missense variant in a coldspot region where missense variants are very unlikely to be pathogenic (PMID:31911673).

BRCA1 coldspot (exon 11 using historical exon numbering). Reclassification based on statistical prior probability

Labcorp Genetics (formerly Invitae), Labcorp
Classification: Uncertain significance for Hereditary breast ovarian cancer syndrome. Last evaluated: 2020-03-22. Review status: criteria provided, single submitter. Criteria: Invitae Variant Classification Sherloc (09022015). Collection method: clinical testing. Allele origin: germline.
Comment: This sequence change replaces alanine with threonine at codon 1248 of the BRCA1 protein (p.Ala1248Thr). The alanine residue is moderately conserved and there is a small physicochemical difference between alanine and threonine. This variant is not present in population databases (ExAC no frequency). This variant has not been reported in the literature in individuals with BRCA1-related conditions. Algorithms developed to predict the effect of missense changes on protein structure and function (SIFT, PolyPhen-2, Align-GVGD) all suggest that this variant is likely to be tolerated, but these predictions have not been confirmed by published functional studies and their clinical significance is uncertain. In summary, the available evidence is currently insufficient to determine the role of this variant in disease. Therefore, it has been classified as a Variant of Uncertain Significance.